The following is an entry in ClinVar:

ClinVar aggregate classification (germline): Uncertain significance. Review status: criteria provided, multiple submitters, no conflicts (2 of 4 stars). 2 submissions from 2 submitters: Uncertain significance (2). Last evaluated 2026-03-04.

Conditions:
Short stature with nonspecific skeletal abnormalities 1 (SNSK1). Identifiers: MedGen CN379227, MONDO:0014551, OMIM 616255.

gnomAD v4.1: 15 of 1,612,290 alleles (0.00093%); highest among the groups gnomAD compares: East Asian, 0.0089%; no homozygotes.

Submissions (2):

GeneDx
Classification: Uncertain significance. Last evaluated: 2026-03-04. Review status: criteria provided, single submitter. Criteria: GeneDx Variant Classification Process June 2021. Collection method: clinical testing. Allele origin: germline.
Comment: Reported in a proband with short stature and skeletal abnormalities in the published literature (PMID: 34557487); In silico analysis supports that this missense variant has a deleterious effect on protein structure/function; This variant is associated with the following publications: (PMID: 34557487)

Victorian Clinical Genetics Services, Murdoch Childrens Research Institute
Classification: Uncertain significance for Short stature with nonspecific skeletal abnormalities 1. Last evaluated: 2025-11-19. Review status: criteria provided, single submitter. Criteria: ACMG Guidelines, 2015. Collection method: clinical testing. Allele origin: germline. Affected: yes.
Comment: This variant is classified as VUS-3A. Evidence in support of pathogenic classification: Variant is present in gnomAD <0.01 (v4: 15 heterozygote(s), 0 homozygote(s)); This variant has limited previous evidence of pathogenicity in an unrelated individual(s). This variant has been reported in the literature in a child with short stature and joint enlargement (PMID: 34557487); Additional information: Variant is predicted to result in a missense amino acid change from Arg to His; This variant is heterozygous; This gene is associated with both recessive and dominant disease (OMIM); Alternative amino acid change(s) at the same position are present in gnomAD (highest allele count: v4: 20 heterozygote(s), 0 homozygote(s)); No published evidence of segregation with disease has been identified for this variant; No published functional evidence has been identified for this variant; No comparable missense variants have previous evidence for pathogenicity; Variant is located in the annotated protein tyrosine and serine/threonine kinase domain (DECIPHER); Missense variant with inconclusive in silico prediction and/or uninformative conservation; Dominant negative, loss of function and gain of function are known mechanisms of disease in this gene. Dominant negative is associated with short stature with nonspecific skeletal abnormalities (MIM#616255), while loss of function is associated with Maroteaux type acromesomelic dysplasia (MIM#602875). Additionally, gain of function has been associated with Miura type epiphyseal chondrodysplasia (MIM#615923) (OMIM).

Literature cited by the submitters: PubMed 34557487 (cited by Victorian Clinical Genetics Services, Murdoch Childrens Research Institute).

NM_003995.4(NPR2):c.1859G>A (p.Arg620His)

Gene: NPR2 (natriuretic peptide receptor 2; plus strand). Cytogenetic location: 9p13.3.
Variant type: single nucleotide variant.
Coding change: c.1859G>A on transcript NM_003995.4 (MANE Select); coding-DNA position 1859, G replaced by A.
Protein change: p.Arg620His; replaces arginine 620 with histidine.
Molecular consequence: missense variant.
Genome position (GRCh38, 1-based): chr9:35,802,775, G>A. VCF-style: chr9-35802775-G-A. GRCh37 (hg19) VCF-style: chr9-35802772-G-A.
Other names: c.1859G>A (NM_003995.3); c.1868G>A, p.Arg623His (NM_001378923.1); short protein forms R620H, R623H.
Identifiers: ClinVar variation 4532126 (VCV004532126.2).
Genomic context (GRCh38, chr9:35,802,775, plus strand): 5'-TCCATGTCACTTACCAGGATATTCTAGAAAATGACAGCATCAACTTGGACTGGATGTTTC[G>A]TTATTCACTCATTAATGACCTTGTTAAGGTGAGTCTTCCCCACTCCTTAAAAGTTCATCC-3'
Protein context (NP_003986.2, residues 610-630): NDSINLDWMF[Arg620His]YSLINDLVKG